The following is an entry in ClinVar:

NM_000026.4(ADSL):c.101A>G (p.Tyr34Cys)

Gene: ADSL (adenylosuccinate lyase; plus strand). Cytogenetic location: 22q13.1.
Variant type: single nucleotide variant.
Coding change: c.101A>G on transcript NM_000026.4 (MANE Select); coding-DNA position 101, A replaced by G.
Protein change: p.Tyr34Cys; replaces tyrosine 34 with cysteine.
Molecular consequence: missense variant. On other transcripts: non-coding transcript variant (1), intron variant (1).
Genome position (GRCh38, 1-based): chr22:40,346,659, A>G. VCF-style: chr22-40346659-A-G. GRCh37 (hg19) VCF-style: chr22-40742663-A-G.
Other names: c.101A>G, p.Tyr34Cys (NM_001123378.3, NM_001363840.3); c.-40+3A>G (NM_001317923.2); short protein forms Y34C.
Identifiers: ClinVar variation 382330 (VCV000382330.5), dbSNP rs780994144, ClinGen allele CA10247605.

ClinVar aggregate classification (germline): Uncertain significance. Review status: criteria provided, multiple submitters, no conflicts (2 of 4 stars). 3 submissions from 3 submitters: Uncertain significance (3). Last evaluated 2024-06-27.

Conditions:
Adenylosuccinate lyase deficiency (ADSLD). Also called: ADSL DEFICIENCY. Identifiers: Orphanet 46, MedGen C0268126, MONDO:0007068, OMIM 103050.

Allele frequency attached by ClinVar (database versions not stated): ExAC 0.00001; gnomAD exomes 0.00001.
gnomAD v4.1: 9 of 1,613,188 alleles (0.00056%); highest among the groups gnomAD compares: South Asian, 0.0055%; no homozygotes.

Submissions (3):

Blueprint Genetics
Classification: Uncertain significance. Last evaluated: 2024-06-27. Review status: criteria provided, single submitter. Criteria: ACMG Guidelines, 2015. Collection method: clinical testing. Allele origin: germline.

Labcorp Genetics (formerly Invitae), Labcorp
Classification: Uncertain significance for Adenylosuccinate lyase deficiency. Last evaluated: 2022-01-19. Review status: criteria provided, single submitter. Criteria: Invitae Variant Classification Sherloc (09022015). Collection method: clinical testing. Allele origin: germline.
Comment: This sequence change replaces tyrosine, which is neutral and polar, with cysteine, which is neutral and slightly polar, at codon 34 of the ADSL protein (p.Tyr34Cys). This variant is present in population databases (rs780994144, gnomAD 0.007%). This variant has not been reported in the literature in individuals affected with ADSL-related conditions. ClinVar contains an entry for this variant (Variation ID: 382330). Advanced modeling of protein sequence and biophysical properties (such as structural, functional, and spatial information, amino acid conservation, physicochemical variation, residue mobility, and thermodynamic stability) performed at Invitae indicates that this missense variant is not expected to disrupt ADSL protein function. In summary, the available evidence is currently insufficient to determine the role of this variant in disease. Therefore, it has been classified as a Variant of Uncertain Significance.

GeneDx
Classification: Uncertain significance. Last evaluated: 2015-12-18. Review status: criteria provided, single submitter. Criteria: GeneDx Variant Classification (06012015). Collection method: clinical testing. Allele origin: germline. Affected: yes.
Comment: A variant of uncertain significance has been identified in the ADSL gene. The Y34C variant has not been published as a pathogenic variant, nor has it been reported as a benign variant to our knowledge. It was not observed in approximately 6,500 individuals of European and African American ancestry in the NHLBI Exome Sequencing Project, indicating it is not a common benign variant in these populations. The Y34C variant is a non-conservative amino acid substitution, which is likely to impact secondary protein structure as these residues differ in polarity, charge, size and/or other properties. However, this substitution occurs at a position that is not conserved. In silico analysis is inconsistent in its predictions as to whether or not the variant is damaging to the protein structure/function. Therefore, based on the currently available information, it is unclear whether this variant is a pathogenic variant or a rare benign variant.